The following is an entry in ClinVar:

NM_000275.3(OCA2):c.1901T>A (p.Ile634Asn)

Gene: OCA2 (OCA2 melanosomal transmembrane protein; minus strand). Cytogenetic location: 15q13.1.
Variant type: single nucleotide variant.
Coding change: c.1901T>A on transcript NM_000275.3 (MANE Select); coding-DNA position 1901, T replaced by A.
Protein change: p.Ile634Asn; replaces isoleucine 634 with asparagine.
Molecular consequence: missense variant.
Genome position (GRCh38, 1-based): chr15:27,951,834, A>T on the plus strand (T>A on the coding strand, the complement: OCA2 is on the minus strand). VCF-style: chr15-27951834-A-T. GRCh37 (hg19) VCF-style: chr15-28196980-A-T.
Other names: c.1829T>A, p.Ile610Asn (NM_001300984.2); short protein forms I610N, I634N.
Identifiers: ClinVar variation 1191876 (VCV001191876.17), dbSNP rs200692258, ClinGen allele CA7438859.

ClinVar aggregate classification (germline): Conflicting classifications of pathogenicity. Review status: criteria provided, conflicting classifications (1 of 4 stars). 8 submissions from 8 submitters: Pathogenic (2); Likely pathogenic (3); Uncertain significance (2). 1 of the submissions does not count toward it. Last evaluated 2026-06-01.

Conditions:
Tyrosinase-positive oculocutaneous albinism (OCA2). Also called: Albinism, oculocutaneous, type II; Oculocutaneous albinism type 2; ALBINISM II. Identifiers: Orphanet 79432, MedGen C0268495, MONDO:0008746, OMIM 203200.
SKIN/HAIR/EYE PIGMENTATION 1, BLUE/NONBLUE EYES (SHEP1). Also called: EYE COLOR 3; EYE COLOR, BLUE/NONBLUE; EYE COLOR, BROWN/BLUE; HAIR COLOR 3; BROWN EYE COLOR 2; SKIN/HAIR/EYE PIGMENTATION 1, BLOND/BROWN HAIR. Identifiers: MedGen C1856895, OMIM 227220.
OCA2-related disorder. Also called: OCA2-related condition.
Oculocutaneous albinism. Identifiers: Orphanet 55, MedGen C0078918, MONDO:0018910.

Allele frequency attached by ClinVar (database versions not stated): TOPMed 0.00006; ExAC 0.00007; gnomAD exomes 0.00007; ESP Exome Variant Server 0.00008; gnomAD 0.00011.
gnomAD v4.1: 112 of 1,614,000 alleles (0.0069%); highest among the groups gnomAD compares: Non-Finnish European, 0.0059%; no homozygotes.

Submissions (8):

Myriad Genetics, Inc.
Classification: Uncertain significance for Tyrosinase-positive oculocutaneous albinism. Last evaluated: 2026-06-01. Review status: criteria provided, single submitter. Criteria: Myriad Autosomal Dominant, Autosomal Recessive and X-Linked Classification Criteria (2023). Collection method: clinical testing. Allele origin: unknown.
Comment: NM_000275.2(OCA2):c.1901T>A(I634N) is a missense variant classified as a variant of uncertain significance in the context of oculocutaneous albinism, OCA2-related. I634N has been observed in cases with relevant disease (PMID: 33144682, 34246199, 18463683). Relevant functional assessments of this variant are not available in the literature. I634N has been observed in referenced population frequency databases. In summary, there is insufficient evidence to classify NM_000275.2(OCA2):c.1901T>A(I634N) as pathogenic or benign. Please note: this variant was assessed in the context of healthy population screening.

Labcorp Genetics (formerly Invitae), Labcorp
Classification: Pathogenic. Last evaluated: 2026-01-27. Review status: criteria provided, single submitter. Criteria: Invitae Variant Classification Sherloc (09022015). Collection method: clinical testing. Allele origin: germline.
Comment: This sequence change replaces isoleucine, which is neutral and non-polar, with asparagine, which is neutral and polar, at codon 634 of the OCA2 protein (p.Ile634Asn). This variant is present in population databases (rs200692258, gnomAD 0.2%). This missense change has been observed in individual(s) with clinical features of ocular albinism (PMID: 33144682; internal data). In at least one individual the data is consistent with being in trans (on the opposite chromosome) from a pathogenic variant. ClinVar contains an entry for this variant (Variation ID: 1191876). Invitae Evidence Modeling of protein sequence and biophysical properties (such as structural, functional, and spatial information, amino acid conservation, physicochemical variation, residue mobility, and thermodynamic stability) indicates that this missense variant is expected to disrupt OCA2 protein function with a positive predictive value of 80%. For these reasons, this variant has been classified as Pathogenic.

Women's Health and Genetics/Laboratory Corporation of America, LabCorp
Classification: Likely pathogenic for Oculocutaneous albinism. Last evaluated: 2025-12-16. Review status: criteria provided, single submitter. Criteria: LabCorp Variant Classification Summary - May 2015. Collection method: clinical testing. Allele origin: germline.
Comment: Variant summary: OCA2 c.1901T>A (p.Ile634Asn) results in a non-conservative amino acid change in the encoded protein sequence. Algorithms developed to predict the effect of missense changes on protein structure and function all suggest that this variant is likely to be disruptive. The variant allele was found at a frequency of 9.9e-05 in 251448 control chromosomes. This frequency is not significantly higher than estimated for disease-causing variants in OCA2, allowing no conclusion about variant significance. c.1901T>A has been observed in the presumed compound heterozygous or simple heterozygous state in multiple individuals affected with clinical features of Oculocutaneous Albinism (e.g. Hutton_2008, Simeonov_2013, Klee_2021, Loftus_2021, internal data). These data indicate that the variant may be associated with disease. To our knowledge, no experimental evidence demonstrating an impact on protein function has been reported. The following publications have been ascertained in the context of this evaluation (PMID: 18463683, 23504663, 31233279, 33144682, 34246199, 37882226). ClinVar contains an entry for this variant (Variation ID: 1191876). Based on the evidence outlined above, the variant was classified as likely pathogenic.

GeneDx
Classification: Likely pathogenic. Last evaluated: 2025-08-05. Review status: criteria provided, single submitter. Criteria: GeneDx Variant Classification Process June 2021. Collection method: clinical testing. Allele origin: germline. Affected: yes.
Comment: In silico analysis supports that this missense variant has a deleterious effect on protein structure/function; This variant is associated with the following publications: (PMID: 31233279, 34246199, 33144682, 18463683)

Blueprint Genetics
Classification: Pathogenic for OCA2-related disorders. Last evaluated: 2024-04-04. Review status: criteria provided, single submitter. Criteria: ACMG Guidelines, 2015. Collection method: clinical testing. Allele origin: germline. Affected: yes. Observed: 5 variant alleles.

Baylor Genetics
Classification: Likely pathogenic for SKIN/HAIR/EYE PIGMENTATION 1, BLUE/NONBLUE EYES. Last evaluated: 2024-03-10. Review status: criteria provided, single submitter. Criteria: ACMG Guidelines, 2015. Collection method: clinical testing. Allele origin: unknown.

Department of Pathology and Laboratory Medicine, Sinai Health System
Classification: Uncertain significance for Tyrosinase-positive oculocutaneous albinism. Last evaluated: 2022-11-01. Review status: criteria provided, single submitter. Criteria: ACMG Guidelines, 2015. Collection method: research. Allele origin: germline.

PreventionGenetics, part of Exact Sciences
Classification: Uncertain significance for OCA2-related condition. Last evaluated: 2024-05-17. Review status: no assertion criteria provided. Collection method: clinical testing. Allele origin: germline. Not counted in ClinVar's aggregate classification.
Comment: The OCA2 c.1901T>A variant is predicted to result in the amino acid substitution p.Ile634Asn. This variant has been reported in the compound heterozygous state in an individual with oculocutaneous albinism (Klee et al. 2021. PubMed ID: 33144682), and in the heterozygous state without a second OCA2 variant in an individual with oculocutaneous albinism (Hutton et al. 2008. PubMed ID: 1846368). This variant has also been reported in a cohort study of cutaneous melanoma (Nathan. 2019. PubMed ID: 31233279). This variant is reported in 0.18% of alleles in individuals of Ashkenazi Jewish descent in gnomAD, indicating it is relatively common in this population. Although we suspect that this variant may be pathogenic, at this time, the clinical significance of this variant is uncertain due to the absence of conclusive functional and genetic evidence.

Literature cited by the submitters: PubMed 18463683 (cited by Myriad Genetics, Inc. and Women's Health and Genetics/Laboratory Corporation of America, LabCorp); PubMed 33144682 (cited by 3 submitters); PubMed 34246199 (cited by Myriad Genetics, Inc. and Women's Health and Genetics/Laboratory Corporation of America, LabCorp); PubMed 23504663 (cited by Women's Health and Genetics/Laboratory Corporation of America, LabCorp); PubMed 31233279 (cited by Women's Health and Genetics/Laboratory Corporation of America, LabCorp); PubMed 37882226 (cited by Women's Health and Genetics/Laboratory Corporation of America, LabCorp).